The following is an entry in ClinVar:

NM_024675.4(PALB2):c.2387G>C (p.Gly796Ala)

Gene: PALB2 (partner and localizer of BRCA2; minus strand). Cytogenetic location: 16p12.2.
Variant type: single nucleotide variant.
Coding change: c.2387G>C on transcript NM_024675.4 (MANE Select); coding-DNA position 2387, G replaced by C.
Protein change: p.Gly796Ala; replaces glycine 796 with alanine.
Molecular consequence: missense variant. On other transcripts: intron variant (1).
Genome position (GRCh38, 1-based): chr16:23,629,767, C>G on the plus strand (G>C on the coding strand, the complement: PALB2 is on the minus strand). VCF-style: chr16-23629767-C-G. GRCh37 (hg19) VCF-style: chr16-23641088-C-G.
Other names: c.2327G>C, p.Gly776Ala (NM_001407296.1); c.2387G>C, p.Gly796Ala (NM_001407297.1, NM_001407298.1, NM_001407299.1 and 3 more transcripts); c.1502G>C, p.Gly501Ala (NM_001407304.1, NM_001407305.1, NM_001407306.1 and 5 more transcripts); c.599G>C, p.Gly200Ala (NM_001407312.1, NM_001407313.1); c.49-492G>C (NM_001407314.1); short protein forms G200A, G776A, G796A, G501A.
Identifiers: ClinVar variation 3661948 (VCV003661948.3).

ClinVar aggregate classification (germline): Uncertain significance. Review status: criteria provided, multiple submitters, no conflicts (2 of 4 stars). 2 submissions from 2 submitters: Uncertain significance (2). Last evaluated 2026-07-06.

Conditions:
Familial cancer of breast. Also called: Hereditary breast cancer; BREAST CANCER, FAMILIAL; hereditary breast carcinoma. Identifiers: Orphanet 227535, MedGen C0346153, MONDO:0016419, OMIM 114480. Disease mechanism: loss of function.
Hereditary cancer-predisposing syndrome. Also called: Tumor predisposition; Hereditary neoplastic syndrome; Hereditary Cancer Syndrome; Neoplastic Syndromes, Hereditary. Identifiers: Orphanet 140162, MedGen C0027672, MeSH D009386, MONDO:0015356.

Submissions (2):

Ambry Genetics
Classification: Uncertain significance for Hereditary cancer-predisposing syndrome. Last evaluated: 2026-07-06. Review status: criteria provided, single submitter. Criteria: Ambry Variant Classification Scheme 2023. Collection method: clinical testing. Allele origin: germline.
Comment: The p.G796A variant (also known as c.2387G>C), located in coding exon 5 of the PALB2 gene, results from a G to C substitution at nucleotide position 2387. The glycine at codon 796 is replaced by alanine, an amino acid with similar properties. This amino acid position is conserved. In addition, this alteration is predicted to be tolerated by in silico analysis. Based on the available evidence, the clinical significance of this variant remains unclear.

Labcorp Genetics (formerly Invitae), Labcorp
Classification: Uncertain significance for Familial cancer of breast. Last evaluated: 2024-08-11. Review status: criteria provided, single submitter. Criteria: Invitae Variant Classification Sherloc (09022015). Collection method: clinical testing. Allele origin: germline.
Comment: This sequence change replaces glycine, which is neutral and non-polar, with alanine, which is neutral and non-polar, at codon 796 of the PALB2 protein (p.Gly796Ala). This variant is not present in population databases (gnomAD no frequency). This variant has not been reported in the literature in individuals affected with PALB2-related conditions. Advanced modeling of protein sequence and biophysical properties (such as structural, functional, and spatial information, amino acid conservation, physicochemical variation, residue mobility, and thermodynamic stability) has been performed at Invitae for this missense variant, however the output from this modeling did not meet the statistical confidence thresholds required to predict the impact of this variant on PALB2 protein function. In summary, the available evidence is currently insufficient to determine the role of this variant in disease. Therefore, it has been classified as a Variant of Uncertain Significance.